The following is an entry in ClinVar:

ClinVar aggregate classification (germline): Uncertain significance (1 of 4 stars; one submission).

Conditions:
Combined deficiency of sialidase AND beta galactosidase (GSL). Also called: CATHEPSIN A DEFICIENCY; GOLDBERG SYNDROME; Galactosialidosis; NEURAMINIDASE DEFICIENCY WITH BETA-GALACTOSIDASE DEFICIENCY; NEURAMINIDASE/BETA-GALACTOSIDASE EXPRESSION; PPCA DEFICIENCY. Identifiers: Orphanet 351, MedGen C0268233, MONDO:0009737, OMIM 256540.

Allele frequency attached by ClinVar (database versions not stated): gnomAD 0.00001 and 0.00003; gnomAD exomes 0.00002 and 0.00006; ExAC 0.00003; TOPMed 0.00003; 1000 Genomes Project 30x 0.00031; 1000 Genomes Project 0.00040.
gnomAD v4.1: 19 of 1,614,044 alleles (0.0012%); highest among the groups gnomAD compares: Admixed American, 0.03%; no homozygotes.

Submission:

Labcorp Genetics (formerly Invitae), Labcorp
Classification: Uncertain significance for Combined deficiency of sialidase AND beta galactosidase. Last evaluated: 2022-08-15. Review status: criteria provided, single submitter. Criteria: Invitae Variant Classification Sherloc (09022015). Collection method: clinical testing. Allele origin: germline.
Comment: This sequence change replaces threonine, which is neutral and polar, with asparagine, which is neutral and polar, at codon 479 of the CTSA protein (p.Thr479Asn). This variant is present in population databases (rs149971062, gnomAD 0.04%). This variant has not been reported in the literature in individuals affected with CTSA-related conditions. ClinVar contains an entry for this variant (Variation ID: 1403081). Algorithms developed to predict the effect of missense changes on protein structure and function are either unavailable or do not agree on the potential impact of this missense change (SIFT: "Not Available"; PolyPhen-2: "Benign"; Align-GVGD: "Not Available"). In summary, the available evidence is currently insufficient to determine the role of this variant in disease. Therefore, it has been classified as a Variant of Uncertain Significance.

NM_000308.4(CTSA):c.1382C>A (p.Thr461Asn)

Gene: CTSA (cathepsin A; plus strand). Cytogenetic location: 20q13.12.
Variant type: single nucleotide variant.
Coding change: c.1382C>A on transcript NM_000308.4 (MANE Select); coding-DNA position 1382, C replaced by A.
Protein change: p.Thr461Asn; replaces threonine 461 with asparagine.
Molecular consequence: missense variant. On other transcripts: non-coding transcript variant (1).
Genome position (GRCh38, 1-based): chr20:45,898,389, C>A. VCF-style: chr20-45898389-C-A. GRCh37 (hg19) VCF-style: chr20-44527028-C-A.
Other names: c.1382C>A, p.Thr461Asn (NM_001127695.3); c.1331C>A, p.Thr444Asn (NM_001167594.3); short protein forms T461N, T444N.
Identifiers: ClinVar variation 1403081 (VCV001403081.3), dbSNP rs149971062, ClinGen allele CA9883404.